The following is an entry in ClinVar:

NM_002181.4(IHH):c.286_295dup (p.Ala99fs)

Gene: IHH (Indian hedgehog signaling molecule; minus strand). Cytogenetic location: 2q35.
Variant type: Duplication.
Coding change: c.286_295dup on transcript NM_002181.4 (MANE Select); coding-DNA positions 286 to 295, 10 bases duplicated (AACACAGGCG; older notation c.286_295dupAACACAGGCG).
Protein change: p.Ala99fs; shifts the reading frame from alanine 99.
Molecular consequence: frameshift variant.
Genome position (GRCh38, 1-based): chr2:219,060,173-219,060,182, CGCCTGTGTT duplicated on the plus strand (AACACAGGCG on the coding strand, the reverse complement: IHH is on the minus strand); duplicating any 10 consecutive bases within chr2:219,060,173-219,060,183 gives the same sequence; the c. name uses the placement nearest the transcript's 3' end. VCF-style (leftmost placement, unchanged base first): chr2-219060172-G-GCGCCTGTGTT. GRCh37 (hg19) VCF-style: chr2-219924894-G-GCGCCTGTGTT.
Other names: short protein forms A99fs.
Identifiers: ClinVar variation 3653496 (VCV003653496.2).

ClinVar aggregate classification (germline): Pathogenic (1 of 4 stars; one submission).

Submission:

Labcorp Genetics (formerly Invitae), Labcorp
Classification: Pathogenic. Last evaluated: 2025-11-01. Review status: criteria provided, single submitter. Criteria: Invitae Variant Classification Sherloc (09022015). Collection method: clinical testing. Allele origin: germline.
Comment: This sequence change creates a premature translational stop signal (p.Ala99Glufs*52) in the IHH gene. It is expected to result in an absent or disrupted protein product. Loss-of-function variants in IHH are known to be pathogenic (PMID: 11455389, 19277064). This variant is not present in population databases (gnomAD no frequency). This variant has not been reported in the literature in individuals affected with IHH-related conditions. ClinVar contains an entry for this variant (Variation ID: 3653496). For these reasons, this variant has been classified as Pathogenic.

Literature cited by the submitters: PubMed 11455389; PubMed 19277064.